The following is an entry in ClinVar:

ClinVar aggregate classification (germline): Uncertain significance (1 of 4 stars; one submission).

Submission:

GeneDx
Classification: Uncertain significance. Last evaluated: 2017-09-14. Review status: criteria provided, single submitter. Criteria: GeneDx Variant Classification (06012015). Collection method: clinical testing. Allele origin: germline. Affected: yes.
Comment: The V824M variant in the GRIA3 gene has not been reported previously as a pathogenic variant, nor as a benign variant, to our knowledge. The V824M variant is not observed in large population cohorts (Lek et al., 2016; 1000 Genomes Consortium et al., 2015; Exome Variant Server). The V824M variant is a conservative amino acid substitution, which is not likely to impact secondary protein structure as these residues share similar properties. This substitution occurs at a position that is conserved across species. In silico analysis predicts this variant is probably damaging to the protein structure/function. We interpret V824M as a variant of uncertain significance.

NM_007325.5(GRIA3):c.2470G>A (p.Val824Met)

Gene: GRIA3 (glutamate ionotropic receptor AMPA type subunit 3; plus strand). Cytogenetic location: Xq25.
Variant type: single nucleotide variant.
Coding change: c.2470G>A on transcript NM_007325.5 (MANE Select); coding-DNA position 2470, G replaced by A.
Protein change: p.Val824Met; replaces valine 824 with methionine.
Molecular consequence: missense variant.
Genome position (GRCh38, 1-based): chrX:123,482,829, G>A. VCF-style: chrX-123482829-G-A. GRCh37 (hg19) VCF-style: chrX-122616680-G-A.
Other names: c.2470G>A, p.Val824Met (NM_000828.5); short protein forms V824M.
Identifiers: ClinVar variation 451760 (VCV000451760.2), dbSNP rs1556337768, ClinGen allele CA414255823.